The following is an entry in ClinVar:

NM_001042631.3(SDHAF1):c.*156G>T

Gene: SDHAF1 (succinate dehydrogenase complex assembly factor 1; plus strand). Cytogenetic location: 19q13.12.
Variant type: single nucleotide variant.
Coding change: c.*156G>T on transcript NM_001042631.3 (MANE Select); 156 bases downstream of the stop codon, G replaced by T.
Molecular consequence: 3 prime UTR variant.
Genome position (GRCh38, 1-based): chr19:35,995,778, G>T. VCF-style: chr19-35995778-G-T. GRCh37 (hg19) VCF-style: chr19-36486680-G-T.
Identifiers: ClinVar variation 328900 (VCV000328900.8), dbSNP rs115204084, ClinGen allele CA10648565.

ClinVar aggregate classification (germline): Benign/Likely benign. Review status: criteria provided, multiple submitters, no conflicts (2 of 4 stars). 3 submissions from 3 submitters: Benign (1); Likely benign (2). Last evaluated 2018-07-07.

Conditions:
Mitochondrial complex II deficiency, nuclear type 1. Also called: SUCCINATE CoQ REDUCTASE DEFICIENCY. Identifiers: Orphanet 3208, MedGen C5700310, MONDO:0100294, OMIM 252011.

Allele frequency attached by ClinVar (database versions not stated): gnomAD exomes 0.00248; gnomAD 0.02560 and 0.02741; 1000 Genomes Project 0.02756; TOPMed 0.02894; 1000 Genomes Project 30x 0.03170.

Submissions (3):

GeneDx
Classification: Benign. Last evaluated: 2018-07-07. Review status: criteria provided, single submitter. Criteria: GeneDx Variant Classification Process June 2021. Collection method: clinical testing. Allele origin: germline. Affected: yes.

Illumina Laboratory Services, Illumina
Classification: Likely benign for Mitochondrial complex II deficiency, nuclear type 1. Last evaluated: 2018-01-13. Review status: criteria provided, single submitter. Criteria: ICSL Variant Classification Criteria 13 December 2019. Collection method: clinical testing. Allele origin: germline.
Comment: This variant was observed in the ICSL laboratory as part of a predisposition screen in an ostensibly healthy population. It had not been previously curated by ICSL or reported in the Human Gene Mutation Database (HGMD: prior to June 1st, 2018), and was therefore a candidate for classification through an automated scoring system. Utilizing variant allele frequency, disease prevalence and penetrance estimates, and inheritance mode, an automated score was calculated to assess if this variant is too frequent to cause the disease. Based on the score and internal cut-off values, a variant classified as likely benign is not then subjected to further curation. The score for this variant resulted in a classification of likely benign for this disease.

Breakthrough Genomics
Classification: Likely benign. Review status: criteria provided, single submitter. Criteria: ACMG Guidelines, 2015. Collection method: not provided. Allele origin: germline. Inheritance: Autosomal recessive inheritance. Affected: yes.